The following is an entry in ClinVar:

NM_000719.7(CACNA1C):c.2620A>G (p.Met874Val)

Gene: CACNA1C (calcium voltage-gated channel subunit alpha1 C; plus strand). Cytogenetic location: 12p13.33.
Variant type: single nucleotide variant.
Coding change: c.2620A>G on transcript NM_000719.7 (MANE Select); coding-DNA position 2620, A replaced by G.
Protein change: p.Met874Val; replaces methionine 874 with valine.
Molecular consequence: missense variant.
Genome position (GRCh38, 1-based): chr12:2,593,302, A>G. VCF-style: chr12-2593302-A-G. GRCh37 (hg19) VCF-style: chr12-2702468-A-G.
Other names: c.2620A>G, p.Met874Val (NM_001129827.2, NM_001129829.2, NM_001129830.3 and 18 more transcripts); c.2611A>G, p.Met871Val (NM_001129844.2); short protein forms M871V, M874V.
Identifiers: ClinVar variation 3483950 (VCV003483950.3).
Genomic context (GRCh38, chr12:2,593,302, plus strand): 5'-CCTGTCGGCCCTCGCCCACGACCACTCTCTGAGCTTCACCTTAAGGAAAAGGCAGTGCCC[A>G]TGCCAGAAGCCAGCGCGTTTTTCATCTTCAGCTCTAACAACAGGTGTGCAGCAATGGTGG-3'
Protein context (NP_000710.5, residues 864-884): ELHLKEKAVP[Met874Val]PEASAFFIFS

ClinVar aggregate classification (germline): Uncertain significance. Review status: criteria provided, multiple submitters, no conflicts (2 of 4 stars). 2 submissions from 2 submitters: Uncertain significance (2). Last evaluated 2025-12-01.

Conditions:
Cardiovascular phenotype. Identifiers: MedGen CN230736.
Long QT syndrome (LQTS). Identifiers: MedGen C0023976, MeSH D008133, MONDO:0002442. Disease mechanism: loss of function. Inheritance: Various modes of inheritance.

gnomAD v4.1: 4 of 1,613,790 alleles (0.00025%); highest among the groups gnomAD compares: African/African-American, 0.0013%; no homozygotes.

Submissions (2):

Labcorp Genetics (formerly Invitae), Labcorp
Classification: Uncertain significance for Long QT syndrome. Last evaluated: 2025-12-01. Review status: criteria provided, single submitter. Criteria: Invitae Variant Classification Sherloc (09022015). Collection method: clinical testing. Allele origin: germline.
Comment: This sequence change replaces methionine, which is neutral and non-polar, with valine, which is neutral and non-polar, at codon 874 of the CACNA1C protein (p.Met874Val). This variant is present in population databases (no rsID available, gnomAD 0.01%). This variant has not been reported in the literature in individuals affected with CACNA1C-related conditions. ClinVar contains an entry for this variant (Variation ID: 3483950). Invitae Evidence Modeling of protein sequence and biophysical properties (such as structural, functional, and spatial information, amino acid conservation, physicochemical variation, residue mobility, and thermodynamic stability) indicates that this missense variant is not expected to disrupt CACNA1C protein function with a negative predictive value of 80%. In summary, the available evidence is currently insufficient to determine the role of this variant in disease. Therefore, it has been classified as a Variant of Uncertain Significance.

Ambry Genetics
Classification: Uncertain significance for Cardiovascular phenotype. Last evaluated: 2024-10-28. Review status: criteria provided, single submitter. Criteria: Ambry Variant Classification Scheme 2023. Collection method: clinical testing. Allele origin: germline.
Comment: The p.M874V variant (also known as c.2620A>G), located in coding exon 19 of the CACNA1C gene, results from an A to G substitution at nucleotide position 2620. The methionine at codon 874 is replaced by valine, an amino acid with highly similar properties. This amino acid position is well conserved in available vertebrate species. In addition, this alteration is predicted to be deleterious by in silico analysis. Based on the available evidence, the clinical significance of this variant remains unclear.